The following is an entry in ClinVar:

ClinVar aggregate classification (germline): Uncertain significance. Review status: criteria provided, multiple submitters, no conflicts (2 of 4 stars). 3 submissions from 3 submitters: Uncertain significance (3). Last evaluated 2024-12-14.

Conditions:
Cenani-Lenz syndactyly syndrome. Also called: CENANI SYNDACTYLISM; SYNDACTYLY, TYPE VII. Identifiers: Orphanet 3258, MedGen C1859309, MONDO:0008931, OMIM 212780.
Sclerosteosis 2 (SOST2). Identifiers: Orphanet 3152, MedGen C3280402, MONDO:0013679, OMIM 614305.
Congenital myasthenic syndrome 17. Identifiers: Orphanet 590, MedGen C4225377, MONDO:0014578, OMIM 616304.
Inborn genetic diseases. Identifiers: MedGen C0950123, MeSH D030342.

Allele frequency attached by ClinVar (database versions not stated): ExAC 0.00002; gnomAD exomes 0.00002; TOPMed 0.00002.
gnomAD v4.1: 8 of 1,614,066 alleles (0.0005%); highest among the groups gnomAD compares: Admixed American, 0.0083%; no homozygotes.

Submissions (3):

Ambry Genetics
Classification: Uncertain significance for Inborn genetic diseases. Last evaluated: 2024-12-14. Review status: criteria provided, single submitter. Criteria: Ambry Variant Classification Scheme 2023. Collection method: clinical testing. Allele origin: germline.

Labcorp Genetics (formerly Invitae), Labcorp
Classification: Uncertain significance for Cenani-Lenz syndactyly syndrome; Sclerosteosis 2; Congenital myasthenic syndrome 17. Last evaluated: 2022-08-08. Review status: criteria provided, single submitter. Criteria: Invitae Variant Classification Sherloc (09022015). Collection method: clinical testing. Allele origin: germline.
Comment: This sequence change replaces glutamic acid, which is acidic and polar, with alanine, which is neutral and non-polar, at codon 97 of the LRP4 protein (p.Glu97Ala). This variant is present in population databases (rs766174802, gnomAD 0.01%). This variant has not been reported in the literature in individuals affected with LRP4-related conditions. ClinVar contains an entry for this variant (Variation ID: 879988). Algorithms developed to predict the effect of missense changes on protein structure and function are either unavailable or do not agree on the potential impact of this missense change (SIFT: "Deleterious"; PolyPhen-2: "Benign"; Align-GVGD: "Class C0"). In summary, the available evidence is currently insufficient to determine the role of this variant in disease. Therefore, it has been classified as a Variant of Uncertain Significance.

Illumina Laboratory Services, Illumina
Classification: Uncertain significance for Cenani-Lenz syndactyly syndrome. Last evaluated: 2018-01-13. Review status: criteria provided, single submitter. Criteria: ICSL Variant Classification Criteria 13 December 2019. Collection method: clinical testing. Allele origin: germline.

NM_002334.4(LRP4):c.290A>C (p.Glu97Ala)

Gene: LRP4 (LDL receptor related protein 4; minus strand). Cytogenetic location: 11p11.2.
Variant type: single nucleotide variant.
Coding change: c.290A>C on transcript NM_002334.4 (MANE Select); coding-DNA position 290, A replaced by C.
Protein change: p.Glu97Ala; replaces glutamic acid 97 with alanine.
Molecular consequence: missense variant.
Genome position (GRCh38, 1-based): chr11:46,900,288, T>G on the plus strand (A>C on the coding strand, the complement: LRP4 is on the minus strand). VCF-style: chr11-46900288-T-G. GRCh37 (hg19) VCF-style: chr11-46921839-T-G.
Other names: short protein forms E97A.
Identifiers: ClinVar variation 879988 (VCV000879988.6), dbSNP rs766174802, ClinGen allele CA5970557.